The following is an entry in ClinVar:

ClinVar aggregate classification (germline): Uncertain significance (1 of 4 stars; one submission).

gnomAD v4.1: 1 of 1,613,854 alleles (0.000062%); highest among the groups gnomAD compares: South Asian, 0.0011%; no homozygotes.

Submission:

GeneDx
Classification: Uncertain significance. Last evaluated: 2024-06-06. Review status: criteria provided, single submitter. Criteria: GeneDx Variant Classification Process June 2021. Collection method: clinical testing. Allele origin: germline. Affected: yes.
Comment: Not observed at significant frequency in large population cohorts (gnomAD); In silico analysis indicates that this missense variant does not alter protein structure/function; Has not been previously published as pathogenic or benign to our knowledge

NM_015030.2(FRYL):c.6238C>T (p.Leu2080Phe)

Gene: FRYL (FRY like transcription coactivator; minus strand). Cytogenetic location: 4p11.
Variant type: single nucleotide variant.
Coding change: c.6238C>T on transcript NM_015030.2 (MANE Select); coding-DNA position 6238, C replaced by T.
Protein change: p.Leu2080Phe; replaces leucine 2080 with phenylalanine.
Molecular consequence: missense variant.
Genome position (GRCh38, 1-based): chr4:48,540,410, G>A on the plus strand (C>T on the coding strand, the complement: FRYL is on the minus strand). VCF-style: chr4-48540410-G-A. GRCh37 (hg19) VCF-style: chr4-48542427-G-A.
Other names: short protein forms L2080F.
Identifiers: ClinVar variation 3384288 (VCV003384288.1).
Genomic context (GRCh38, chr4:48,540,410, plus strand): 5'-CACCTGACAATTGGGAAGGATCCACCAATGTATGTTTGGAGACAGAAATGAGTTTACTGA[G>A]GAGGTGCACGGTCATTTCTTGTGTAGATGCTGAGGTAAAACCCTTAAGGAAGAGCTGCTG-3'
Protein context (NP_055845.1, residues 2070-2090): ASTQEMTVHL[Leu2080Phe]SKLISVSKHT